The following is an entry in ClinVar:

ClinVar aggregate classification (germline): Uncertain significance. Review status: criteria provided, multiple submitters, no conflicts (2 of 4 stars). 2 submissions from 2 submitters: Uncertain significance (2). Last evaluated 2025-09-04.

Conditions:
Gorlin syndrome. Also called: Nevoid Basal Cell Carcinoma Syndrome; Basal cell nevus syndrome. Identifiers: Orphanet 377, MedGen C0004779, MONDO:0007187.

Allele frequency attached by ClinVar (database versions not stated): gnomAD 0.00003 and 0.00004; gnomAD exomes 0.00007 and 0.00012; TOPMed 0.00008; ExAC 0.00022; ESP Exome Variant Server 0.00031.
gnomAD v4.1: 120 of 1,613,990 alleles (0.0074%); highest among the groups gnomAD compares: Non-Finnish European, 0.0085%; no homozygotes.

Submissions (2):

Ambry Genetics
Classification: Uncertain significance. Last evaluated: 2025-09-04. Review status: criteria provided, single submitter. Criteria: Ambry Variant Classification Scheme 2023. Collection method: clinical testing. Allele origin: germline.

Labcorp Genetics (formerly Invitae), Labcorp
Classification: Uncertain significance for Gorlin syndrome. Last evaluated: 2025-07-30. Review status: criteria provided, single submitter. Criteria: Invitae Variant Classification Sherloc (09022015). Collection method: clinical testing. Allele origin: germline.
Comment: This sequence change replaces valine, which is neutral and non-polar, with leucine, which is neutral and non-polar, at codon 1094 of the PTCH2 protein (p.Val1094Leu). This variant is present in population databases (rs148142832, gnomAD 0.02%). This variant has not been reported in the literature in individuals affected with PTCH2-related conditions. ClinVar contains an entry for this variant (Variation ID: 663044). Invitae Evidence Modeling of protein sequence and biophysical properties (such as structural, functional, and spatial information, amino acid conservation, physicochemical variation, residue mobility, and thermodynamic stability) indicates that this missense variant is not expected to disrupt PTCH2 protein function with a negative predictive value of 80%. In summary, the available evidence is currently insufficient to determine the role of this variant in disease. Therefore, it has been classified as a Variant of Uncertain Significance.

NM_003738.5(PTCH2):c.3280G>C (p.Val1094Leu)

Gene: PTCH2 (patched 2; minus strand). Cytogenetic location: 1p34.1.
Variant type: single nucleotide variant.
Coding change: c.3280G>C on transcript NM_003738.5 (MANE Select); coding-DNA position 3280, G replaced by C.
Protein change: p.Val1094Leu; replaces valine 1094 with leucine.
Molecular consequence: missense variant.
Genome position (GRCh38, 1-based): chr1:44,823,146, C>G on the plus strand (G>C on the coding strand, the complement: PTCH2 is on the minus strand). VCF-style: chr1-44823146-C-G. GRCh37 (hg19) VCF-style: chr1-45288818-C-G.
Other names: c.3280G>C, p.Val1094Leu (NM_001166292.2); short protein forms V1094L.
Identifiers: ClinVar variation 663044 (VCV000663044.10), dbSNP rs148142832, ClinGen allele CA822736.